The following is an entry in ClinVar:

NM_000143.4(FH):c.482C>A (p.Ala161Glu)

Gene: FH (fumarate hydratase; minus strand). Cytogenetic location: 1q43.
Variant type: single nucleotide variant.
Coding change: c.482C>A on transcript NM_000143.4 (MANE Select); coding-DNA position 482, C replaced by A.
Protein change: p.Ala161Glu; replaces alanine 161 with glutamic acid.
Molecular consequence: missense variant.
Genome position (GRCh38, 1-based): chr1:241,512,040, G>T on the plus strand (C>A on the coding strand, the complement: FH is on the minus strand). VCF-style: chr1-241512040-G-T. GRCh37 (hg19) VCF-style: chr1-241675340-G-T.
Other names: short protein forms A161E.
Identifiers: ClinVar variation 2452785 (VCV002452785.2), dbSNP rs1307815197, ClinGen allele CA345440005.

ClinVar aggregate classification (germline): Likely pathogenic (1 of 4 stars; one submission).

Conditions:
Hereditary cancer-predisposing syndrome. Also called: Neoplastic Syndromes, Hereditary; Tumor predisposition; Hereditary neoplastic syndrome; Hereditary Cancer Syndrome. Identifiers: Orphanet 140162, MedGen C0027672, MeSH D009386, MONDO:0015356.

Submission:

Ambry Genetics
Classification: Likely pathogenic for Hereditary cancer-predisposing syndrome. Last evaluated: 2023-03-01. Review status: criteria provided, single submitter. Criteria: Ambry Variant Classification Scheme 2023. Collection method: clinical testing. Allele origin: germline.
Comment: The p.A161E variant (also known as c.482C>A), located in coding exon 4 of the FH gene, results from a C to A substitution at nucleotide position 482. The alanine at codon 161 is replaced by glutamic acid, an amino acid with dissimilar properties. This alteration has been observed in at least one individual with a personal and/or family history that is consistent with FH-related disease (Ambry internal data). Internal structural analysis indicates that this variant in the N-terminal domain of FH is expected to disrupt protein function (Ambry internal data). This amino acid position is highly conserved in available vertebrate species. In addition, this alteration is predicted to be deleterious by in silico analysis. Based on the majority of available evidence to date, this variant is likely to be pathogenic.